The following is an entry in ClinVar:

NM_000094.4(COL7A1):c.4783-2A>T

Gene: COL7A1 (collagen type VII alpha 1 chain; minus strand). Cytogenetic location: 3p21.31.
Variant type: single nucleotide variant.
Coding change: c.4783-2A>T on transcript NM_000094.4 (MANE Select); the canonical splice acceptor site of the intron before coding-DNA position 4783, A replaced by T.
Molecular consequence: splice acceptor variant.
Genome position (GRCh38, 1-based): chr3:48,581,485, T>A on the plus strand (A>T on the coding strand, the complement: COL7A1 is on the minus strand). VCF-style: chr3-48581485-T-A. GRCh37 (hg19) VCF-style: chr3-48618918-T-A.
Identifiers: ClinVar variation 1481501 (VCV001481501.8), dbSNP rs2107712587, ClinGen allele CA352684361.

ClinVar aggregate classification (germline): Pathogenic (1 of 4 stars; one submission).

Submission:

Labcorp Genetics (formerly Invitae), Labcorp
Classification: Pathogenic. Last evaluated: 2022-10-28. Review status: criteria provided, single submitter. Criteria: Invitae Variant Classification Sherloc (09022015). Collection method: clinical testing. Allele origin: germline.
Comment: Disruption of this splice site has been observed in individual(s) with autosomal recessive COL7A1-related conditions (PMID: 10504458, 26864810). This sequence change affects an acceptor splice site in intron 49 of the COL7A1 gene. It is expected to disrupt splicing. Variants that disrupt the donor or acceptor splice site typically lead to a loss of protein function (PMID: 16199547), and loss-of-function variants in COL7A1 are known to be disease-causing for autosomal recessive dystrophic epidermolysis bullosa (PMID: 16971478). However, certain variants affecting donor or acceptor splice sites in the triple helical domain of COL7A1 are expected to result in in-frame exon skipping and have been reported to cause autosomal dominant dystrophic epidermolysis bullosa (PMID: 31670143). This variant is not present in population databases (gnomAD no frequency). ClinVar contains an entry for this variant (Variation ID: 1481501). Algorithms developed to predict the effect of sequence changes on RNA splicing suggest that this variant may disrupt the consensus splice site. For these reasons, this variant has been classified as Pathogenic.

Literature cited by the submitters: PubMed 10504458; PubMed 26864810; PubMed 16199547; PubMed 16971478; PubMed 31670143.